The following is an entry in ClinVar:

ClinVar aggregate classification (germline): Uncertain significance (1 of 4 stars; one submission).

gnomAD v4.1: 3 of 1,614,214 alleles (0.00019%); highest among the groups gnomAD compares: African/African-American, 0.004%; no homozygotes.

Submission:

Labcorp Genetics (formerly Invitae), Labcorp
Classification: Uncertain significance. Last evaluated: 2022-03-04. Review status: criteria provided, single submitter. Criteria: Invitae Variant Classification Sherloc (09022015). Collection method: clinical testing. Allele origin: germline.
Comment: This sequence change replaces valine, which is neutral and non-polar, with isoleucine, which is neutral and non-polar, at codon 60 of the CD55 protein (p.Val60Ile). This variant is not present in population databases (gnomAD no frequency). This variant has not been reported in the literature in individuals affected with CD55-related conditions. Algorithms developed to predict the effect of missense changes on protein structure and function output the following: SIFT: "Tolerated"; PolyPhen-2: "Benign"; Align-GVGD: "Class C0". The isoleucine amino acid residue is found in multiple mammalian species, which suggests that this missense change does not adversely affect protein function. In summary, the available evidence is currently insufficient to determine the role of this variant in disease. Therefore, it has been classified as a Variant of Uncertain Significance.

NM_000574.5(CD55):c.178G>A (p.Val60Ile)

Gene: CD55 (CD55 molecule (Cromer blood group); plus strand). Cytogenetic location: 1q32.2.
Variant type: single nucleotide variant.
Coding change: c.178G>A on transcript NM_000574.5 (MANE Select); coding-DNA position 178, G replaced by A.
Protein change: p.Val60Ile; replaces valine 60 with isoleucine.
Molecular consequence: missense variant. On other transcripts: non-coding transcript variant (1).
Genome position (GRCh38, 1-based): chr1:207,322,459, G>A. VCF-style: chr1-207322459-G-A. GRCh37 (hg19) VCF-style: chr1-207495804-G-A.
Other names: c.178G>A, p.Val60Ile (NM_001114752.3, NM_001300902.2, NM_001300903.2 and 1 more transcripts); short protein forms V60I.
Identifiers: ClinVar variation 1465503 (VCV001465503.5), dbSNP rs1654462365, ClinGen allele CA344515275.